The following is an entry in ClinVar:

ClinVar aggregate classification (germline): Benign. Review status: criteria provided, multiple submitters, no conflicts (2 of 4 stars). 2 submissions from 2 submitters: Benign (2). Last evaluated 2018-01-13.

Conditions:
Hyaline fibromatosis syndrome (HFS). Also called: Hyalinosis, Inherited Systemic; HYALINOSIS, SYSTEMIC. Identifiers: Orphanet 2028, Orphanet 498474, MedGen C5574677, MONDO:0009229, OMIM 228600.

Allele frequency attached by ClinVar (database versions not stated): gnomAD exomes 0.06977; gnomAD 0.10728 and 0.12378; TOPMed 0.12906; 1000 Genomes Project 30x 0.26671; 1000 Genomes Project 0.27955.
gnomAD v4.1: 18,734 of 151,988 alleles (12%); highest among the groups gnomAD compares: East Asian, 67%; 2,439 homozygotes.

Submissions (2):

Illumina Laboratory Services, Illumina
Classification: Benign for Hyaline fibromatosis syndrome. Last evaluated: 2018-01-13. Review status: criteria provided, single submitter. Criteria: ICSL Variant Classification Criteria 13 December 2019. Collection method: clinical testing. Allele origin: germline.
Comment: This variant was observed in the ICSL laboratory as part of a predisposition screen in an ostensibly healthy population. It had not been previously curated by ICSL or reported in the Human Gene Mutation Database (HGMD: prior to June 1st, 2018), and was therefore a candidate for classification through an automated scoring system. Utilizing variant allele frequency, disease prevalence and penetrance estimates, and inheritance mode, an automated score was calculated to assess if this variant is too frequent to cause the disease. Based on the score and internal cut-off values, a variant classified as benign is not then subjected to further curation. The score for this variant resulted in a classification of benign for this disease.

Breakthrough Genomics
Classification: Benign. Review status: criteria provided, single submitter. Criteria: ACMG Guidelines, 2015. Collection method: not provided. Allele origin: germline. Inheritance: Autosomal recessive inheritance. Affected: yes.

NM_058172.6(ANTXR2):c.*5602C>G

Gene: ANTXR2 (ANTXR cell adhesion molecule 2; minus strand). Cytogenetic location: 4q21.21.
Variant type: single nucleotide variant.
Coding change: c.*5602C>G on transcript NM_058172.6 (MANE Select); 5602 bases downstream of the stop codon, C replaced by G.
Molecular consequence: 3 prime UTR variant.
Genome position (GRCh38, 1-based): chr4:79,901,827, G>C on the plus strand (C>G on the coding strand, the complement: ANTXR2 is on the minus strand). VCF-style: chr4-79901827-G-C. GRCh37 (hg19) VCF-style: chr4-80822981-G-C.
Other names: c.*5602C>G (NM_001286780.2, NM_001286781.2).
Identifiers: ClinVar variation 905311 (VCV000905311.5), dbSNP rs4331719, ClinGen allele CA11754545.
Genomic context (GRCh38, chr4:79,901,827, plus strand): 5'-AACAGATCATCAGGTATTAGATTCTCATAAGAAATGCGCAACTTAGATCCCTCACACACA[G>C]TTCCAAAAGGGTTTGTGCTCCTTGAGAATCTAATGCTGCTGCTGATCTCACAGGAGACAC-3'